The following is an entry in ClinVar:

ClinVar aggregate classification (germline): Uncertain significance. Review status: criteria provided, multiple submitters, no conflicts (2 of 4 stars). 3 submissions from 3 submitters: Uncertain significance (2). 1 of the submissions does not count toward it. Last evaluated 2024-11-25.

Conditions:
Cardiovascular phenotype. Identifiers: MedGen CN230736.
Breast ductal adenocarcinoma. Also called: Ductal breast carcinoma; Breast cancer, invasive ductal. Identifiers: MedGen C1527349, MONDO:0005590.
Long QT syndrome (LQTS). Identifiers: MedGen C0023976, MeSH D008133, MONDO:0002442. Disease mechanism: loss of function. Inheritance: Various modes of inheritance.

Allele frequency attached by ClinVar (database versions not stated): TOPMed 0.00002.
gnomAD v4.1: 6 of 1,607,124 alleles (0.00037%); highest among the groups gnomAD compares: African/African-American, 0.0013%; no homozygotes.

Submissions (3):

Ambry Genetics
Classification: Uncertain significance for Cardiovascular phenotype. Last evaluated: 2024-11-25. Review status: criteria provided, single submitter. Criteria: Ambry Variant Classification Scheme 2023. Collection method: clinical testing. Allele origin: germline.
Comment: The p.R1715W variant (also known as c.5143C>T), located in coding exon 42 of the CACNA1C gene, results from a C to T substitution at nucleotide position 5143. The arginine at codon 1715 is replaced by tryptophan, an amino acid with dissimilar properties. This amino acid position is conserved. In addition, this alteration is predicted to be deleterious by in silico analysis. Since supporting evidence is limited at this time, the clinical significance of this alteration remains unclear.

Labcorp Genetics (formerly Invitae), Labcorp
Classification: Uncertain significance for Long QT syndrome. Last evaluated: 2024-03-02. Review status: criteria provided, single submitter. Criteria: Invitae Variant Classification Sherloc (09022015). Collection method: clinical testing. Allele origin: germline.
Comment: This sequence change replaces arginine, which is basic and polar, with tryptophan, which is neutral and slightly polar, at codon 1715 of the CACNA1C protein (p.Arg1715Trp). This variant is not present in population databases (gnomAD no frequency). This variant has not been reported in the literature in individuals affected with CACNA1C-related conditions. ClinVar contains an entry for this variant (Variation ID: 221325). Advanced modeling of protein sequence and biophysical properties (such as structural, functional, and spatial information, amino acid conservation, physicochemical variation, residue mobility, and thermodynamic stability) has been performed at Invitae for this missense variant, however the output from this modeling did not meet the statistical confidence thresholds required to predict the impact of this variant on CACNA1C protein function. In summary, the available evidence is currently insufficient to determine the role of this variant in disease. Therefore, it has been classified as a Variant of Uncertain Significance.

Next Generation Diagnostics, Novartis Institutes for BioMedical Research, Inc.
Classification: Uncertain significance for Breast ductal adenocarcinoma. Last evaluated: 2015-07-20. Review status: no assertion criteria provided. Collection method: research. Allele origin: somatic. Affected: yes. Not counted in ClinVar's aggregate classification.

NM_000719.7(CACNA1C):c.5143C>T (p.Arg1715Trp)

Genes: CACNA1C (calcium voltage-gated channel subunit alpha1 C; plus strand), CACNA1C-AS1 (CACNA1C antisense RNA 1; minus strand). Cytogenetic location: 12p13.33.
Variant type: single nucleotide variant.
Coding change: c.5143C>T on transcript NM_000719.7 (MANE Select); coding-DNA position 5143, C replaced by T.
Protein change: p.Arg1715Trp; replaces arginine 1715 with tryptophan.
Molecular consequence: missense variant.
Genome position (GRCh38, 1-based): chr12:2,679,495, C>T. VCF-style: chr12-2679495-C-T. GRCh37 (hg19) VCF-style: chr12-2788661-C-T.
Other names: c.5287C>T, p.Arg1763Trp (NM_001129827.2, NM_199460.4); c.5266C>T, p.Arg1756Trp (NM_001129829.2); c.5143C>T, p.Arg1715Trp (NM_001129830.3, NM_001129840.2, NM_001129841.2 and 4 more transcripts); c.5227C>T, p.Arg1743Trp (NM_001129831.2); c.5203C>T, p.Arg1735Trp (NM_001129832.2); c.5200C>T, p.Arg1734Trp (NM_001129833.2, NM_001129834.2, NM_001129835.2); c.5194C>T, p.Arg1732Trp (NM_001129836.2); c.5167C>T, p.Arg1723Trp (NM_001129837.2, NM_001129838.2); and 3 more; short protein forms R1715W, R1763W, R1712W, R1743W, R1704W, R1721W, R1734W, R1756W.
Identifiers: ClinVar variation 221325 (VCV000221325.10), dbSNP rs373996684, ClinGen allele CA059337.